The following is an entry in ClinVar:

NM_017849.4(TMEM127):c.483_487delinsGCATAAGT (p.His161_Lys163delinsGlnHisLysTer)

Gene: TMEM127 (transmembrane protein 127; minus strand). Cytogenetic location: 2q11.2.
Variant type: Indel.
Coding change: c.483_487delinsGCATAAGT on transcript NM_017849.4 (MANE Select); coding-DNA positions 483 to 487, TAAGA replaced by GCATAAGT.
Protein change: p.His161_Lys163delinsGlnHisLysTer.
Molecular consequence: nonsense.
Genome position (GRCh38, 1-based): chr2:96,254,038-96,254,042, TCTTA replaced by ACTTATGC on the plus strand (TAAGA replaced by GCATAAGT on the coding strand, the reverse complement: TMEM127 is on the minus strand). VCF-style: chr2-96254038-TCTTA-ACTTATGC. GRCh37 (hg19) VCF-style: chr2-96919776-TCTTA-ACTTATGC.
Other names: c.483_487delinsGCATAAGT, p.His161_Lys163delinsGlnHisLysTer (NM_001193304.3); c.231_235delinsGCATAAGT, p.His77_Lys79delinsGlnHisLysTer (NM_001407282.1, NM_001407283.1).
Identifiers: ClinVar variation 3010801 (VCV003010801.3), dbSNP rs2467264035, ClinGen allele CA2740095671.

ClinVar aggregate classification (germline): Pathogenic (1 of 4 stars; one submission).

Conditions:
Hereditary pheochromocytoma and paraganglioma. Also called: Hereditary paragangliomas and pheochromocytomas; Hereditary Paraganglioma-Pheochromocytoma Syndromes; Hereditary pheochromocytoma-paraganglioma. Identifiers: Orphanet 29072, MedGen C4274332, MONDO:0017366.

Submission:

Labcorp Genetics (formerly Invitae), Labcorp
Classification: Pathogenic for Hereditary pheochromocytoma and paraganglioma. Last evaluated: 2020-06-07. Review status: criteria provided, single submitter. Criteria: Invitae Variant Classification Sherloc (09022015). Collection method: clinical testing. Allele origin: germline.
Comment: This sequence change results in a premature translational stop signal in the TMEM127 gene (p.His161_Tyr164delinsGlnHisLys*). While this is not anticipated to result in nonsense mediated decay, it is expected to disrupt the last 76 amino acids of the TMEM127 protein. This variant is not present in population databases (ExAC no frequency). This variant has not been reported in the literature in individuals with TMEM127-related conditions. This variant disrupts the C-terminus of the TMEM127 protein. Other variant(s) that disrupt this region (p.Tyr178Leufs*48) have been determined to be pathogenic (PMID: 28855235, 28384794). This suggests that variants that disrupt this region of the protein are likely to be causative of disease. For these reasons, this variant has been classified as Pathogenic.

Literature cited by the submitters: PubMed 28855235; PubMed 28384794.